The following is an entry in ClinVar:

NM_001278669.2(NFATC1):c.213C>T (p.Asn71=)

Gene: NFATC1 (nuclear factor of activated T cells 1; plus strand). Cytogenetic location: 18q23.
Variant type: single nucleotide variant.
Coding change: c.213C>T on transcript NM_001278669.2 (MANE Select); coding-DNA position 213, C replaced by T.
Protein change: p.Asn71=; no amino-acid change (asparagine 71 retained).
Molecular consequence: synonymous variant. On other transcripts: intron variant (2).
Genome position (GRCh38, 1-based): chr18:79,410,488, C>T. VCF-style: chr18-79410488-C-T. GRCh37 (hg19) VCF-style: chr18-77170488-C-T.
Other names: c.213C>T, p.Asn71= (NM_001278670.2, NM_006162.5, NM_172390.3); c.174C>T, p.Asn58= (NM_001278672.2, NM_001278675.2, NM_172387.3 and 1 more transcripts); c.-191+14137C>T (NM_172388.3); c.-191+10009C>T (NM_001278673.2).
Identifiers: ClinVar variation 3043417 (VCV003043417.2), dbSNP rs375567329, ClinGen allele CA9008772.

ClinVar aggregate classification (germline): Likely benign (0 of 4 stars; one submission).

Conditions:
NFATC1-related disorder. Also called: NFATC1-related condition.

Allele frequency attached by ClinVar (database versions not stated): gnomAD 0.00003; TOPMed 0.00003; ExAC 0.00005; ESP Exome Variant Server 0.00008.
gnomAD v4.1: 71 of 1,612,232 alleles (0.0044%); highest among the groups gnomAD compares: Middle Eastern, 0.28%; no homozygotes.

Submission:

PreventionGenetics, part of Exact Sciences
Classification: Likely benign for NFATC1-related condition. Last evaluated: 2019-07-12. Review status: no assertion criteria provided. Collection method: clinical testing. Allele origin: germline.
Comment: This variant is classified as likely benign based on ACMG/AMP sequence variant interpretation guidelines (Richards et al. 2015 PMID: 25741868, with internal and published modifications).